The following is an entry in ClinVar:

NM_030943.4(AMN):c.862C>T (p.Gln288Ter)

Gene: AMN (amnion associated transmembrane protein; plus strand). Cytogenetic location: 14q32.32.
Variant type: single nucleotide variant.
Coding change: c.862C>T on transcript NM_030943.4 (MANE Select); coding-DNA position 862, C replaced by T.
Protein change: p.Gln288Ter; replaces glutamine 288 with a stop codon.
Molecular consequence: nonsense.
Genome position (GRCh38, 1-based): chr14:102,929,942, C>T. VCF-style: chr14-102929942-C-T. GRCh37 (hg19) VCF-style: chr14-103396279-C-T.
Other names: c.700C>T, p.Gln234Ter (NM_001425246.1); short protein forms Q288*, Q234*.
Identifiers: ClinVar variation 3003642 (VCV003003642.3), dbSNP rs1202544126, ClinGen allele CA391082900.
Genomic context (GRCh38, chr14:102,929,942, plus strand): 5'-GGGCGGGGGGCTGAGTCAAACCAACCCCGTCCCCCTCCCCAGCCTCAGTACCACGGGCTG[C>T]AGGTGGCCGTGTCCAAGGTGCCACGCTCGTCCCGGCTCCGTGAGGCCGATACGGAGATCC-3'

ClinVar aggregate classification (germline): Pathogenic (1 of 4 stars; one submission).

Conditions:
Imerslund-Grasbeck syndrome. Also called: ENTEROCYTE COBALAMIN MALABSORPTION; ENTEROCYTE INTRINSIC FACTOR RECEPTOR, DEFECT OF; Imerslund-Gräsbeck syndrome; PERNICIOUS ANEMIA, JUVENILE, DUE TO SELECTIVE INTESTINAL MALABSORPTION OF VITAMIN B12, WITH PROTEINURIA; Megaloblastic anemia due to inborn errors of metabolism. Identifiers: Orphanet 35858, MedGen C4551825, MONDO:0009853.

gnomAD v4.1: 1 of 1,561,916 alleles (0.000064%); no homozygotes.

Submission:

Labcorp Genetics (formerly Invitae), Labcorp
Classification: Pathogenic for Imerslund-Grasbeck syndrome. Last evaluated: 2024-09-10. Review status: criteria provided, single submitter. Criteria: Invitae Variant Classification Sherloc (09022015). Collection method: clinical testing. Allele origin: germline.
Comment: This sequence change creates a premature translational stop signal (p.Gln288*) in the AMN gene. It is expected to result in an absent or disrupted protein product. Loss-of-function variants in AMN are known to be pathogenic (PMID: 12590260, 22929189). The frequency data for this variant in the population databases is considered unreliable, as metrics indicate poor data quality at this position in the gnomAD database. This variant has not been reported in the literature in individuals affected with AMN-related conditions. For these reasons, this variant has been classified as Pathogenic.

Literature cited by the submitters: PubMed 12590260; PubMed 22929189.